The following is an entry in ClinVar:

ClinVar aggregate classification (germline): Pathogenic (1 of 4 stars; one submission).

Conditions:
Hypertrophic cardiomyopathy 26. Also called: Cardiomyopathy, familial hypertrophic, 26. Identifiers: Orphanet 75249, MedGen C4310749, MONDO:0014883, OMIM 617047.
Distal myopathy with posterior leg and anterior hand involvement. Also called: WILLIAMS DISTAL MYOPATHY. Identifiers: Orphanet 63273, MedGen C3279722, MONDO:0013550, OMIM 614065.
Myofibrillar myopathy 5. Also called: Filaminopathy (type); FILAMINOPATHY, AUTOSOMAL DOMINANT. Identifiers: Orphanet 171445, MedGen C1836050, MONDO:0012289, OMIM 609524.

Submission:

Labcorp Genetics (formerly Invitae), Labcorp
Classification: Pathogenic for Distal myopathy with posterior leg and anterior hand involvement; Myofibrillar myopathy 5; Hypertrophic cardiomyopathy 26. Last evaluated: 2022-07-25. Review status: criteria provided, single submitter. Criteria: Invitae Variant Classification Sherloc (09022015). Collection method: clinical testing. Allele origin: germline.
Comment: This sequence change creates a premature translational stop signal (p.Gln233*) in the FLNC gene. It is expected to result in an absent or disrupted protein product. Loss-of-function variants in FLNC are known to be pathogenic (PMID: 27908349). This variant is not present in population databases (gnomAD no frequency). This premature translational stop signal has been observed in individual(s) with dilated cardiomyopathy (PMID: 30847666, 32112656). ClinVar contains an entry for this variant (Variation ID: 478130). For these reasons, this variant has been classified as Pathogenic.

Literature cited by the submitters: PubMed 27908349; PubMed 30847666; PubMed 32112656.

NM_001458.5(FLNC):c.697C>T (p.Gln233Ter)

Gene: FLNC (filamin C; plus strand). Cytogenetic location: 7q32.1.
Variant type: single nucleotide variant.
Coding change: c.697C>T on transcript NM_001458.5 (MANE Select); coding-DNA position 697, C replaced by T.
Protein change: p.Gln233Ter; replaces glutamine 233 with a stop codon.
Molecular consequence: nonsense.
Genome position (GRCh38, 1-based): chr7:128,837,255, C>T. VCF-style: chr7-128837255-C-T. GRCh37 (hg19) VCF-style: chr7-128477309-C-T.
Other names: c.697C>T, p.Gln233Ter (NM_001127487.2); short protein forms Q233*.
Identifiers: ClinVar variation 478130 (VCV000478130.10), dbSNP rs1554397464, ClinGen allele CA369221671.